The following is an entry in ClinVar:

ClinVar aggregate classification (germline): Uncertain significance (1 of 4 stars; one submission).

Conditions:
Severe combined immunodeficiency due to DNA-PKcs deficiency. Also called: Immunodeficiency 26 with or without neurologic abnormalities; IMMUNODEFICIENCY 26 WITH NEUROLOGIC ABNORMALITIES. Identifiers: Orphanet 317425, MedGen C4014833, MONDO:0014423, OMIM 615966.

Submission:

Labcorp Genetics (formerly Invitae), Labcorp
Classification: Uncertain significance for Severe combined immunodeficiency due to DNA-PKcs deficiency. Last evaluated: 2022-09-19. Review status: criteria provided, single submitter. Criteria: Invitae Variant Classification Sherloc (09022015). Collection method: clinical testing. Allele origin: germline.
Comment: In summary, the available evidence is currently insufficient to determine the role of this variant in disease. Therefore, it has been classified as a Variant of Uncertain Significance. Experimental studies and prediction algorithms are not available or were not evaluated, and the functional significance of this variant is currently unknown. This variant has not been reported in the literature in individuals affected with PRKDC-related conditions. This variant is not present in population databases (gnomAD no frequency). This sequence change replaces glutamine, which is neutral and polar, with lysine, which is basic and polar, at codon 3515 of the PRKDC protein (p.Gln3515Lys).

NM_006904.7(PRKDC):c.10543C>A (p.Gln3515Lys)

Gene: PRKDC (protein kinase, DNA-activated, catalytic subunit; minus strand). Cytogenetic location: 8q11.21.
Variant type: single nucleotide variant.
Coding change: c.10543C>A on transcript NM_006904.7 (MANE Select); coding-DNA position 10543, C replaced by A.
Protein change: p.Gln3515Lys; replaces glutamine 3515 with lysine.
Molecular consequence: missense variant.
Genome position (GRCh38, 1-based): chr8:47,794,417, G>T on the plus strand (C>A on the coding strand, the complement: PRKDC is on the minus strand). VCF-style: chr8-47794417-G-T. GRCh37 (hg19) VCF-style: chr8-48706978-G-T.
Other names: c.10543C>A, p.Gln3515Lys (NM_001081640.2); short protein forms Q3515K.
Identifiers: ClinVar variation 2053400 (VCV002053400.4), dbSNP rs748559222, ClinGen allele CA371134059.